The following is an entry in ClinVar:

NM_005188.4(CBL):c.591-8C>T

Gene: CBL (Cbl proto-oncogene; plus strand). Cytogenetic location: 11q23.3.
Variant type: single nucleotide variant.
Coding change: c.591-8C>T on transcript NM_005188.4 (MANE Select); 8 bases into the intron before coding-DNA position 591, C replaced by T.
Molecular consequence: intron variant.
Genome position (GRCh38, 1-based): chr11:119,273,860, C>T. VCF-style: chr11-119273860-C-T. GRCh37 (hg19) VCF-style: chr11-119144570-C-T.
Identifiers: ClinVar variation 1337671 (VCV001337671.11), dbSNP rs749291716, ClinGen allele CA602578916.

ClinVar aggregate classification (germline): Conflicting classifications of pathogenicity. Review status: criteria provided, conflicting classifications (1 of 4 stars). 2 submissions from 2 submitters: Uncertain significance (1); Likely benign (1). Last evaluated 2021-07-07.

Conditions:
RASopathy. Also called: rasopathies; Noonan spectrum disorder. Identifiers: Orphanet 536391, MedGen C5555857, MONDO:0021060.

gnomAD v4.1: 1 of 1,613,194 alleles (0.000062%); highest among the groups gnomAD compares: Non-Finnish European, 0.000085%; no homozygotes.

Submissions (2):

Labcorp Genetics (formerly Invitae), Labcorp
Classification: Likely benign for RASopathy. Last evaluated: 2021-07-07. Review status: criteria provided, single submitter. Criteria: Invitae Variant Classification Sherloc (09022015). Collection method: clinical testing. Allele origin: germline.

Genetic Services Laboratory, University of Chicago
Classification: Uncertain significance. Last evaluated: 2020-06-12. Review status: criteria provided, single submitter. Criteria: ACMG Guidelines, 2015. Collection method: clinical testing. Allele origin: germline. Affected: no.
Comment: DNA sequence analysis of the CBL gene demonstrated a sequence change in intron 3, c.591-8C>T. This change does not appear to have been previously described in patients with CBL-related disorders and has been described in the gnomAD database in one individual which corresponds to a population frequency of 0.00040% (dbSNP rs749291716). This sequence change is not clearly predicted to have a deleterious effect on splicing based on in silico splice prediction programs. It is possible that this sequence change represents a benign sequence change in the CBL gene that has not been identified to date. The functional significance of this sequence change is not known at present and its contribution to this patient's disease phenotype cannot definitively be determined.